The following is an entry in ClinVar:

NM_006269.2(RP1):c.5330A>G (p.Asp1777Gly)

Genes: RP1 (RP1 axonemal microtubule associated; plus strand), LOC126860392 (CDK7 strongly-dependent group 2 enhancer GRCh37_chr8:55541319-55542518; plus strand). Cytogenetic location: 8q12.1.
Variant type: single nucleotide variant.
Coding change: c.5330A>G on transcript NM_006269.2 (MANE Select); coding-DNA position 5330, A replaced by G.
Protein change: p.Asp1777Gly; replaces aspartic acid 1777 with glycine.
Molecular consequence: missense variant. On other transcripts: intron variant (1).
Genome position (GRCh38, 1-based): chr8:54,629,212, A>G. VCF-style: chr8-54629212-A-G. GRCh37 (hg19) VCF-style: chr8-55541772-A-G.
Other names: c.787+6924A>G (NM_001375654.1); short protein forms D1777G.
Identifiers: ClinVar variation 3001863 (VCV003001863.3), dbSNP rs1417282882, ClinGen allele CA370985735.
Genomic context (GRCh38, chr8:54,629,212, plus strand): 5'-CATCTGAAAATCCTGGCATGTGTGGCAATGCAGACACCACATCAGTGGACACCCTACTTG[A>G]TAATAACAGCAGTGAGGTACCATATTCACATTTTGGTAATTTGGCCCCAGGCCCAACGAT-3'
Protein context (NP_006260.1, residues 1767-1787): ADTTSVDTLL[Asp1777Gly]NNSSEVPYSH

ClinVar aggregate classification (germline): Uncertain significance (1 of 4 stars; one submission).

Submission:

Labcorp Genetics (formerly Invitae), Labcorp
Classification: Uncertain significance. Last evaluated: 2023-02-15. Review status: criteria provided, single submitter. Criteria: Invitae Variant Classification Sherloc (09022015). Collection method: clinical testing. Allele origin: germline.
Comment: This variant has not been reported in the literature in individuals affected with RP1-related conditions. An algorithm developed to predict the effect of missense changes on protein structure and function (PolyPhen-2) suggests that this variant is likely to be tolerated. In summary, the available evidence is currently insufficient to determine the role of this variant in disease. Therefore, it has been classified as a Variant of Uncertain Significance. This variant is not present in population databases (gnomAD no frequency). This sequence change replaces aspartic acid, which is acidic and polar, with glycine, which is neutral and non-polar, at codon 1777 of the RP1 protein (p.Asp1777Gly).